The following is an entry in ClinVar:

ClinVar aggregate classification (germline): Benign/Likely benign. Review status: criteria provided, multiple submitters, no conflicts (2 of 4 stars). 4 submissions from 4 submitters: Benign (1); Likely benign (2). 1 of the submissions does not count toward it. Last evaluated 2026-09-01.

Conditions:
3-methylcrotonyl-CoA carboxylase 2 deficiency. Also called: METHYLCROTONYLGLYCINURIA, TYPE II; 3 alpha methylcrotonyl-CoA carboxylase 2 deficiency; 3 alpha methylcrotonylglycinuria 2; MCC 2 deficiency; Methylcrotonylglycinuria type 2. Identifiers: Orphanet 6, MedGen C1859499, MONDO:0008862, OMIM 210210.
MCCC2-related disorder. Also called: MCCC2-related condition.

Allele frequency attached by ClinVar (database versions not stated): TOPMed 0.00249; ESP Exome Variant Server 0.00254; gnomAD exomes 0.00021 and 0.00051; ExAC 0.00063; 1000 Genomes Project 30x 0.00172; 1000 Genomes Project 0.00180; gnomAD 0.00210 and 0.00228.
gnomAD v4.1: 671 of 1,614,176 alleles (0.042%); highest among the groups gnomAD compares: African/African-American, 0.7%; 8 homozygotes.

Submissions (4):

CeGaT Center for Human Genetics Tuebingen
Classification: Likely benign. Last evaluated: 2026-09-01. Review status: criteria provided, single submitter. Criteria: CeGaT Center For Human Genetics Tuebingen Variant Classification Criteria Version 2. Collection method: clinical testing. Allele origin: germline. Affected: yes. Observed: 1 variant allele.
Comment: MCCC2: BP4, BP7

Labcorp Genetics (formerly Invitae), Labcorp
Classification: Benign for 3-methylcrotonyl-CoA carboxylase 2 deficiency. Last evaluated: 2026-01-28. Review status: criteria provided, single submitter. Criteria: Invitae Variant Classification Sherloc (09022015). Collection method: clinical testing. Allele origin: germline.

GeneDx
Classification: Likely benign. Last evaluated: 2016-10-27. Review status: criteria provided, single submitter. Criteria: GeneDx Variant Classification (06012015). Collection method: clinical testing. Allele origin: germline. Affected: yes.
Comment: This variant is considered likely benign or benign based on one or more of the following criteria: it is a conservative change, it occurs at a poorly conserved position in the protein, it is predicted to be benign by multiple in silico algorithms, and/or has population frequency not consistent with disease.

PreventionGenetics, part of Exact Sciences
Classification: Likely benign for MCCC2-related condition. Last evaluated: 2024-07-19. Review status: no assertion criteria provided. Collection method: clinical testing. Allele origin: germline. Not counted in ClinVar's aggregate classification.
Comment: This variant is classified as likely benign based on ACMG/AMP sequence variant interpretation guidelines (Richards et al. 2015 PMID: 25741868, with internal and published modifications).

NM_022132.5(MCCC2):c.969T>C (p.Ala323=)

Gene: MCCC2 (methylcrotonyl-CoA carboxylase subunit 2; plus strand). Cytogenetic location: 5q13.2.
Variant type: single nucleotide variant.
Coding change: c.969T>C on transcript NM_022132.5 (MANE Select); coding-DNA position 969, T replaced by C.
Protein change: p.Ala323=; no amino-acid change (alanine 323 retained).
Molecular consequence: synonymous variant.
Genome position (GRCh38, 1-based): chr5:71,635,216, T>C. VCF-style: chr5-71635216-T-C. GRCh37 (hg19) VCF-style: chr5-70931043-T-C.
Other names: c.855T>C, p.Ala285= (NM_001363147.1).
Identifiers: ClinVar variation 384260 (VCV000384260.14), dbSNP rs112793062, ClinGen allele CA3297942.